The following is an entry in ClinVar:

ClinVar aggregate classification (germline): Pathogenic. Review status: criteria provided, multiple submitters, no conflicts (2 of 4 stars). 2 submissions from 2 submitters: Pathogenic (2). Last evaluated 2022-03-31.

Conditions:
Polycystic kidney disease, adult type (PKD1). Also called: Polycystic Kidney Disease 1, Autosomal Dominant; Polycystic kidney disease 1; Polycystic kidney disease 1, severe; Polycystic Kidney, Autosomal Dominant; POLYCYSTIC KIDNEY DISEASE 1 WITH OR WITHOUT POLYCYSTIC LIVER DISEASE; POLYCYSTIC KIDNEY DISEASE, ADULT, TYPE I. Identifiers: MedGen C3149841, MONDO:0008263, OMIM 173900.

Submissions (2):

Victorian Clinical Genetics Services, Murdoch Childrens Research Institute
Classification: Pathogenic for Polycystic kidney disease, adult type. Last evaluated: 2022-03-31. Review status: criteria provided, single submitter. Criteria: ACMG Guidelines, 2015. Collection method: clinical testing. Allele origin: germline. Inheritance: Autosomal dominant inheritance.
Comment: Based on the classification scheme VCGS_Germline_v1.3.4, this variant is classified as Pathogenic. Following criteria are met: 0102 - Loss of function is a known mechanism of disease in this gene and is associated with polycystic kidney disease 1 (MIM#173900). (I) 0107 - This gene is associated with autosomal dominant disease. Polycystic kidney disease 1 (MIM#173900) is predominantly caused by monoallelic variants, with rare reports of biallelic variants causing disease (OMIM). (I) 0201 - Variant is predicted to cause nonsense-mediated decay (NMD) and loss of protein (premature termination codon is located at least 54 nucleotides upstream of the final exon-exon junction). (SP) 0251 - This variant is heterozygous. (I) 0301 - Variant is absent from gnomAD (both v2 and v3). (SP) 0701 - Other NMD predicted variants comparable to the one identified in this case have very strong previous evidence for pathogenicity (DECIPHER). (SP) 0807 - This variant has no previous evidence of pathogenicity. (I) 0905 - No published segregation evidence has been identified for this variant. (I) 1007 - No published functional evidence has been identified for this variant. (I) 1208 - Inheritance information for this variant is not currently available in this individual. (I) Legend: (SP) - Supporting pathogenic, (I) - Information, (SB) - Supporting benign

Department of Pathology and Laboratory Medicine, Sinai Health System
Classification: Pathogenic for Polycystic kidney disease, adult type. Last evaluated: 2022-02-02. Review status: criteria provided, single submitter. Criteria: ACMG Guidelines, 2015. Collection method: clinical testing. Allele origin: germline. Affected: yes.

NM_001009944.3(PKD1):c.12057_12061dup (p.Arg4021fs)

Gene: PKD1 (polycystin 1, transient receptor potential channel interacting; minus strand). Cytogenetic location: 16p13.3.
Variant type: Duplication.
Coding change: c.12057_12061dup on transcript NM_001009944.3 (MANE Select); coding-DNA positions 12057 to 12061, 5 bases duplicated (ATGCC; older notation c.12057_12061dupATGCC).
Protein change: p.Arg4021fs; shifts the reading frame from arginine 4021.
Molecular consequence: frameshift variant.
Genome position (GRCh38, 1-based): chr16:2,090,751-2,090,755, GGCAT duplicated on the plus strand (ATGCC on the coding strand, the reverse complement: PKD1 is on the minus strand). VCF-style (leftmost placement, unchanged base first): chr16-2090750-C-CGGCAT. GRCh37 (hg19) VCF-style: chr16-2140751-C-CGGCAT.
Other names: c.12057_12061dupATGCC (NM_001009944.2); c.12054_12058dup, p.Arg4020fs (NM_000296.4); short protein forms R4020fs, R4021fs.
Identifiers: ClinVar variation 1805440 (VCV001805440.2), dbSNP rs2544593252, ClinGen allele CA2573102944.